The following is an entry in ClinVar:

ClinVar aggregate classification (germline): Uncertain significance (1 of 4 stars; one submission).

Conditions:
Autoimmune enteropathy and endocrinopathy - susceptibility to chronic infections syndrome. Also called: Immunodeficiency 31C, autosomal dominant; Immunodeficiency 31C. Identifiers: Orphanet 391487, MedGen C3279990, MONDO:0013599, OMIM 614162.
Mendelian susceptibility to mycobacterial diseases due to partial STAT1 deficiency. Also called: Immunodeficiency 31a; IMMUNODEFICIENCY 31A, MYCOBACTERIOSIS, AUTOSOMAL DOMINANT; STAT1 DEFICIENCY, AUTOSOMAL DOMINANT. Identifiers: Orphanet 319595, MedGen C4013950, MONDO:0013956, OMIM 614892.
Immunodeficiency 31B. Also called: STAT1 DEFICIENCY, AUTOSOMAL RECESSIVE; IMMUNODEFICIENCY 31B, MYCOBACTERIAL AND VIRAL INFECTIONS, AUTOSOMAL RECESSIVE. Identifiers: Orphanet 391311, MedGen C3151088, MONDO:0013427, OMIM 613796.

Submission:

Labcorp Genetics (formerly Invitae), Labcorp
Classification: Uncertain significance for Mendelian susceptibility to mycobacterial diseases due to partial STAT1 deficiency; Immunodeficiency 31B; Autoimmune enteropathy and endocrinopathy - susceptibility to chronic infections syndrome. Last evaluated: 2022-08-21. Review status: criteria provided, single submitter. Criteria: Invitae Variant Classification Sherloc (09022015). Collection method: clinical testing. Allele origin: germline.
Comment: In summary, the available evidence is currently insufficient to determine the role of this variant in disease. Therefore, it has been classified as a Variant of Uncertain Significance. Experimental studies and prediction algorithms are not available or were not evaluated, and the functional significance of this variant is currently unknown. This variant has not been reported in the literature in individuals affected with STAT1-related conditions. This variant is a gross deletion of the genomic region encompassing exon(s) 19-21 of the STAT1 gene. This variant would be expected to be in-frame, preserving the integrity of the reading frame.

NC_000002.11:g.(?_191843562)_(191845415_?)del

Gene: STAT1 (signal transducer and activator of transcription 1; minus strand). Cytogenetic location: 2q32.2.
Variant type: Deletion.
Identifiers: ClinVar variation 2425749 (VCV002425749.4).